The following is an entry in ClinVar:

ClinVar aggregate classification (germline): Uncertain significance (1 of 4 stars; one submission).

Conditions:
Cutis laxa, X-linked (OHS). Also called: EDS IX; Occipital horn syndrome. Identifiers: Orphanet 198, MedGen C0268353, MONDO:0010572, OMIM 304150.
Menkes kinky-hair syndrome (MNK). Also called: Classic Menkes Disease; Copper transport disease; Menkes Disease. Identifiers: Orphanet 565, MedGen C0022716, MONDO:0010651, OMIM 309400.
X-linked distal spinal muscular atrophy type 3. Also called: NEURONOPATHY, DISTAL HEREDITARY MOTOR, X-LINKED; NEUROPATHY, DISTAL HEREDITARY MOTOR, X-LINKED; ATP7A-Related Distal Motor Neuropathy; SPINAL MUSCULAR ATROPHY, DISTAL, X-LINKED RECESSIVE. Identifiers: Orphanet 139557, MedGen C1845359, MONDO:0010338, OMIM 300489.

Submission:

Labcorp Genetics (formerly Invitae), Labcorp
Classification: Uncertain significance for X-linked distal spinal muscular atrophy type 3; Cutis laxa, X-linked; Menkes kinky-hair syndrome. Last evaluated: 2022-03-28. Review status: criteria provided, single submitter. Criteria: Invitae Variant Classification Sherloc (09022015). Collection method: clinical testing. Allele origin: germline.
Comment: This variant has not been reported in the literature in individuals affected with ATP7A-related conditions. In summary, the available evidence is currently insufficient to determine the role of this variant in disease. Therefore, it has been classified as a Variant of Uncertain Significance. Advanced modeling of protein sequence and biophysical properties (such as structural, functional, and spatial information, amino acid conservation, physicochemical variation, residue mobility, and thermodynamic stability) performed at Invitae indicates that this missense variant is expected to disrupt ATP7A protein function. This variant is not present in population databases (gnomAD no frequency). This sequence change replaces aspartic acid, which is acidic and polar, with glycine, which is neutral and non-polar, at codon 782 of the ATP7A protein (p.Asp782Gly).

NM_000052.7(ATP7A):c.2345A>G (p.Asp782Gly)

Gene: ATP7A (ATPase copper transporting alpha; plus strand). Cytogenetic location: Xq21.1.
Variant type: single nucleotide variant.
Coding change: c.2345A>G on transcript NM_000052.7 (MANE Select); coding-DNA position 2345, A replaced by G.
Protein change: p.Asp782Gly; replaces aspartic acid 782 with glycine.
Molecular consequence: missense variant. On other transcripts: intron variant (1).
Genome position (GRCh38, 1-based): chrX:78,013,051, A>G. VCF-style: chrX-78013051-A-G. GRCh37 (hg19) VCF-style: chrX-77268548-A-G.
Other names: c.2172+1377A>G (NM_001282224.2); short protein forms D782G.
Identifiers: ClinVar variation 1917804 (VCV001917804.5), dbSNP rs2522354995, ClinGen allele CA413599379.